The following is an entry in ClinVar:

ClinVar aggregate classification (germline): Pathogenic. Review status: criteria provided, multiple submitters, no conflicts (2 of 4 stars). 7 submissions from 7 submitters: Pathogenic (4). 3 of the submissions do not count toward it. Last evaluated 2025-01-10.

Conditions:
Mitochondrial neurogastrointestinal encephalomyopathy. Also called: Mitochondrial neurogastrointestinal encephalopathy syndrome; MNGIE syndrome; Thymidine phosphorylase deficiency. Identifiers: Orphanet 298, MedGen C0872218, MONDO:0017575.
Inborn genetic diseases. Identifiers: MedGen C0950123, MeSH D030342.
Mitochondrial DNA depletion syndrome 1. Also called: Mitochondrial neurogastrointestinal encephalomyopathy syndrome; POLIP SYNDROME; POLYNEUROPATHY, OPHTHALMOPLEGIA, LEUKOENCEPHALOPATHY, AND INTESTINAL PSEUDOOBSTRUCTION; Mitochondrial DNA Depletion Syndrome, MNGIE Form; Mitochondrial Neurogastrointestinal Encephalopathy Disease; MITOCHONDRIAL NEUROGASTROINTESTINAL ENCEPHALOPATHY SYNDROME, TYMP-RELATED. Identifiers: Orphanet 298, MedGen C4551995, MONDO:0011283, OMIM 603041.

Allele frequency attached by ClinVar (database versions not stated): gnomAD 0.00001; TOPMed 0.00001.
gnomAD v4.1: 10 of 1,432,820 alleles (0.0007%); highest among the groups gnomAD compares: Non-Finnish European, 0.00082%; no homozygotes.

Submissions (7):

Myriad Genetics, Inc.
Classification: Pathogenic for Mitochondrial DNA depletion syndrome 1. Last evaluated: 2025-01-10. Review status: criteria provided, single submitter. Criteria: Myriad Autosomal Dominant, Autosomal Recessive and X-Linked Classification Criteria (2023). Collection method: clinical testing. Allele origin: unknown.
Comment: NM_001257989.1(TYMP):c.1315+1G>A is a variant in a canonical splice site classified as pathogenic in the context of mitochondrial neurogastrointestinal encephalopathy disease. c.1315+1G>A has been observed in cases with relevant disease (PMID: 19056268, 30582904, 38550250). Relevant functional assessments of this variant are available in the literature (PMID: 19056268). c.1315+1G>A has not been observed in referenced population frequency databases. In summary, NM_001257989.1(TYMP):c.1315+1G>A is a variant in a canonical splice site that has been observed more frequently in cases with the relevant disease than in healthy populations. Please note: this variant was assessed in the context of healthy population screening.

Baylor Genetics
Classification: Pathogenic for Mitochondrial DNA depletion syndrome 1. Last evaluated: 2024-02-20. Review status: criteria provided, single submitter. Criteria: ACMG Guidelines, 2015. Collection method: clinical testing. Allele origin: unknown.

Labcorp Genetics (formerly Invitae), Labcorp
Classification: Pathogenic. Last evaluated: 2023-08-16. Review status: criteria provided, single submitter. Criteria: Invitae Variant Classification Sherloc (09022015). Collection method: clinical testing. Allele origin: germline.
Comment: For these reasons, this variant has been classified as Pathogenic. Variants that disrupt the consensus splice site are a relatively common cause of aberrant splicing (PMID: 17576681, 9536098). Studies have shown that disruption of this splice site results in skipping of exon 9, but is expected to preserve the integrity of the reading-frame (PMID: 19056268). ClinVar contains an entry for this variant (Variation ID: 223069). This variant is also known as g.4009G>A. Disruption of this splice site has been observed in individual(s) with mitochondrial neurogastrointestinal encephalomyopathy (PMID: 19056268). In at least one individual the data is consistent with being in trans (on the opposite chromosome) from a pathogenic variant. This variant is not present in population databases (gnomAD no frequency). This sequence change affects a donor splice site in intron 9 of the TYMP gene. RNA analysis indicates that disruption of this splice site induces altered splicing and likely results in a shortened protein product.

Ambry Genetics
Classification: Pathogenic for Inborn genetic diseases. Last evaluated: 2018-03-28. Review status: criteria provided, single submitter. Criteria: Ambry exome assertion method (8-5-2015). Collection method: clinical testing. Allele origin: germline. Affected: yes. Observed: 1 variant allele.

Natera, Inc.
Classification: Pathogenic for Mitochondrial neurogastrointestinal encephalomyopathy. Last evaluated: 2021-06-25. Review status: no assertion criteria provided. Collection method: clinical testing. Allele origin: germline. Not counted in ClinVar's aggregate classification.

Counsyl
Classification: Likely pathogenic for Mitochondrial DNA depletion syndrome 1. Last evaluated: 2018-01-15. Review status: no assertion criteria provided. Collection method: clinical testing. Allele origin: unknown. Not counted in ClinVar's aggregate classification.

GeneReviews
Classification: Pathogenic for Mitochondrial DNA depletion syndrome 1. Last evaluated: 2016-01-14. Review status: no assertion criteria provided. Collection method: literature only. Allele origin: germline. Affected: yes. Not counted in ClinVar's aggregate classification.

Literature cited by the submitters: PubMed 19056268 (cited by 5 submitters); PubMed 30582904 (cited by Myriad Genetics, Inc.); PubMed 38550250 (cited by Myriad Genetics, Inc.); PubMed 17576681 (cited by Labcorp Genetics (formerly Invitae), Labcorp); PubMed 9536098 (cited by Labcorp Genetics (formerly Invitae), Labcorp).

NM_001953.5(TYMP):c.1300+1G>A

Genes: SCO2 (synthesis of cytochrome C oxidase 2; minus strand), TYMP (thymidine phosphorylase; minus strand), LOC130067862 (ATAC-STARR-seq lymphoblastoid silent region 13986; plus strand). Cytogenetic location: 22q13.33.
Variant type: single nucleotide variant.
Coding change: c.1300+1G>A on transcript NM_001953.5 (MANE Select); the canonical splice donor site of the intron after coding-DNA position 1300, G replaced by A.
Molecular consequence: splice donor variant. On other transcripts: intron variant (1).
Genome position (GRCh38, 1-based): chr22:50,526,000, C>T on the plus strand (G>A on the coding strand, the complement: TYMP is on the minus strand). VCF-style: chr22-50526000-C-T. GRCh37 (hg19) VCF-style: chr22-50964429-C-T.
Other names: c.-14+246G>A (NM_001169109.2); c.-14+1G>A (NM_001169110.1); c.1315+1G>A (NM_001257989.1); c.1300+1G>A (NM_001257988.1, NM_001113755.3, NM_001113756.3).
Identifiers: ClinVar variation 223069 (VCV000223069.15), dbSNP rs1064792878, ClinGen allele CA16616804.